The following is an entry in ClinVar:

NM_001172509.2(SATB2):c.1625G>A (p.Arg542His)

Gene: SATB2 (SATB homeobox 2; minus strand). Cytogenetic location: 2q33.1.
Variant type: single nucleotide variant.
Coding change: c.1625G>A on transcript NM_001172509.2 (MANE Select); coding-DNA position 1625, G replaced by A.
Protein change: p.Arg542His; replaces arginine 542 with histidine.
Molecular consequence: missense variant.
Genome position (GRCh38, 1-based): chr2:199,308,875, C>T on the plus strand (G>A on the coding strand, the complement: SATB2 is on the minus strand). VCF-style: chr2-199308875-C-T. GRCh37 (hg19) VCF-style: chr2-200173598-C-T.
Other names: c.1625G>A, p.Arg542His (NM_001172517.1, NM_015265.4); short protein forms R542H.
Identifiers: ClinVar variation 1381732 (VCV001381732.6), dbSNP rs2105769137, ClinGen allele CA350384502.
Genomic context (GRCh38, chr2:199,308,875, plus strand): 5'-TGCCTTGACTCCTCCTCATAGATGACATCCCTCTCATGCTGGGGAAGGTTCAGGAAGCGA[C>T]GGATGGTACAGAGGTTTTCCCAGAGGGTGCGGTTTTCTGGGCTTGGGTTCTCCTTCCAGC-3'
Protein context (NP_001165980.1, residues 532-552): RTLWENLCTI[Arg542His]RFLNLPQHER

ClinVar aggregate classification (germline): Uncertain significance (1 of 4 stars; one submission).

Conditions:
Chromosome 2q32-q33 deletion syndrome (GLASS). Also called: Glass syndrome; 2q33.1 deletion syndrome. Identifiers: Orphanet 251019, MedGen C2676739, MONDO:0012864, OMIM 612313.

Allele frequency attached by ClinVar (database versions not stated): gnomAD exomes below 0.00001.
gnomAD v4.1: 3 of 1,614,114 alleles (0.00019%); highest among the groups gnomAD compares: East Asian, 0.0022%; no homozygotes.

Submission:

Labcorp Genetics (formerly Invitae), Labcorp
Classification: Uncertain significance for Chromosome 2q32-q33 deletion syndrome. Last evaluated: 2022-02-09. Review status: criteria provided, single submitter. Criteria: Invitae Variant Classification Sherloc (09022015). Collection method: clinical testing. Allele origin: germline.
Comment: In summary, the available evidence is currently insufficient to determine the role of this variant in disease. Therefore, it has been classified as a Variant of Uncertain Significance. Advanced modeling of protein sequence and biophysical properties (such as structural, functional, and spatial information, amino acid conservation, physicochemical variation, residue mobility, and thermodynamic stability) performed at Invitae indicates that this missense variant is expected to disrupt SATB2 protein function. This variant has not been reported in the literature in individuals affected with SATB2-related conditions. This variant is not present in population databases (gnomAD no frequency). This sequence change replaces arginine, which is basic and polar, with histidine, which is basic and polar, at codon 542 of the SATB2 protein (p.Arg542His).